The following is an entry in ClinVar:

ClinVar aggregate classification (germline): Pathogenic/Likely pathogenic. Review status: criteria provided, multiple submitters, no conflicts (2 of 4 stars). 3 submissions from 3 submitters: Pathogenic (1); Likely pathogenic (1). 1 of the submissions does not count toward it. Last evaluated 2023-08-25.

Conditions:
RFX6-related disorder. Also called: RFX6-related condition.
Hypoplastic pancreas-intestinal atresia-hypoplastic gallbalder syndrome. Also called: DIABETES, NEONATAL, WITH PANCREATIC HYPOPLASIA, INTESTINAL ATRESIA, AND GALLBLADDER APLASIA OR HYPOPLASIA; Mitchell-Riley syndrome. Identifiers: Orphanet 293864, MedGen C2748662, MONDO:0017400, OMIM 615710.

Allele frequency attached by ClinVar (database versions not stated): gnomAD exomes below 0.00001.
gnomAD v4.1: 2 of 1,612,554 alleles (0.00012%); highest among the groups gnomAD compares: Non-Finnish European, 0.000085%; no homozygotes.

Submissions (3):

PreventionGenetics, part of Exact Sciences
Classification: Likely pathogenic for RFX6-related condition. Last evaluated: 2023-08-25. Review status: criteria provided, single submitter. Criteria: ACMG Guidelines, 2015. Collection method: clinical testing. Allele origin: germline.
Comment: The RFX6 c.542G>A variant is predicted to result in the amino acid substitution p.Arg181Gln. This variant was reported in the homozygous state in an individual with neonatal diabetes and intestinal atresia (Smith et al 2010. PubMed ID: 20148032; Martinovici et al 2010. PubMed ID: 19887127). In vivo experimental studies suggest this variant impacts protein function (Pearl et al 2011. PubMed ID: 21215266). An alternative nucleotide change affecting the same amino acid (p.Arg181Trp) has been reported in the homozygous state in multiple individuals with Mitchell-Riley syndrome (Amorim et al. 2015. PubMed ID: 26770845; Passone et al. 2022. PubMed ID: 35813646). This variant has not been reported in a large population database, indicating it is rare. This variant is interpreted as likely pathogenic.

Blueprint Genetics
Classification: Pathogenic for RFX6-related disorders. Last evaluated: 2021-11-22. Review status: criteria provided, single submitter. Criteria: ACMG Guidelines, 2015. Collection method: clinical testing. Allele origin: germline. Affected: yes. Observed: 1 variant allele.

OMIM
Classification: Pathogenic for MITCHELL-RILEY SYNDROME. Last evaluated: 2010-02-11. Review status: no assertion criteria provided. Collection method: literature only. Allele origin: germline. Not counted in ClinVar's aggregate classification.

Literature cited by the submitters: PubMed 19887127 (cited by OMIM); PubMed 20148032 (cited by OMIM).

NM_173560.4(RFX6):c.542G>A (p.Arg181Gln)

Gene: RFX6 (regulatory factor X6; plus strand). Cytogenetic location: 6q22.1.
Variant type: single nucleotide variant.
Coding change: c.542G>A on transcript NM_173560.4 (MANE Select); coding-DNA position 542, G replaced by A.
Protein change: p.Arg181Gln; replaces arginine 181 with glutamine.
Molecular consequence: missense variant.
Genome position (GRCh38, 1-based): chr6:116,882,404, G>A. VCF-style: chr6-116882404-G-A. GRCh37 (hg19) VCF-style: chr6-117203567-G-A.
Other names: c.542G>A (NM_173560.3); short protein forms R181Q.
Identifiers: ClinVar variation 500 (VCV000000500.3), dbSNP rs267607013, ClinGen allele CA114334.